The following is an entry in ClinVar:

ClinVar aggregate classification (germline): Uncertain significance. Review status: criteria provided, multiple submitters, no conflicts (2 of 4 stars). 2 submissions from 2 submitters: Uncertain significance (2). Last evaluated 2025-09-04.

Conditions:
Inborn genetic diseases. Identifiers: MedGen C0950123, MeSH D030342.

Allele frequency attached by ClinVar (database versions not stated): gnomAD 0.00001.
gnomAD v4.1: 7 of 1,569,510 alleles (0.00045%); highest among the groups gnomAD compares: East Asian, 0.0024%; no homozygotes.

Submissions (2):

Ambry Genetics
Classification: Uncertain significance for Inborn genetic diseases. Last evaluated: 2025-09-04. Review status: criteria provided, single submitter. Criteria: Ambry Variant Classification Scheme 2023. Collection method: clinical testing. Allele origin: germline.

Labcorp Genetics (formerly Invitae), Labcorp
Classification: Uncertain significance. Last evaluated: 2022-06-20. Review status: criteria provided, single submitter. Criteria: Invitae Variant Classification Sherloc (09022015). Collection method: clinical testing. Allele origin: germline.
Comment: In summary, the available evidence is currently insufficient to determine the role of this variant in disease. Therefore, it has been classified as a Variant of Uncertain Significance. Algorithms developed to predict the effect of missense changes on protein structure and function are either unavailable or do not agree on the potential impact of this missense change (SIFT: "Deleterious"; PolyPhen-2: "Probably Damaging"; Align-GVGD: "Class C0"). This variant has not been reported in the literature in individuals affected with SLC26A1-related conditions. This variant is present in population databases (no rsID available, gnomAD 0.007%). This sequence change replaces asparagine, which is neutral and polar, with serine, which is neutral and polar, at codon 384 of the SLC26A1 protein (p.Asn384Ser).

NM_022042.4(SLC26A1):c.1151A>G (p.Asn384Ser)

Genes: IDUA (alpha-L-iduronidase; plus strand), SLC26A1 (solute carrier family 26 member 1; minus strand). Cytogenetic location: 4p16.3.
Variant type: single nucleotide variant.
Coding change: c.1151A>G on transcript NM_022042.4 (MANE Select); coding-DNA position 1151, A replaced by G.
Protein change: p.Asn384Ser; replaces asparagine 384 with serine.
Molecular consequence: missense variant. On other transcripts: intron variant (2).
Genome position (GRCh38, 1-based): chr4:989,788, T>C on the plus strand (A>G on the coding strand, the complement: SLC26A1 is on the minus strand). VCF-style: chr4-989788-T-C. GRCh37 (hg19) VCF-style: chr4-983576-T-C.
Other names: c.1151A>G, p.Asn384Ser (NM_213613.4); c.576+1340A>G (NM_134425.4); c.299+1839T>C (NM_000203.5); c.1151A>G (NM_213613.2); short protein forms N384S.
Identifiers: ClinVar variation 2417254 (VCV002417254.7), dbSNP rs1216050211, ClinGen allele CA355952330.